The following is an entry in ClinVar:

NM_001042545.2(LTBP4):c.3259G>A (p.Val1087Ile)

Gene: LTBP4 (latent transforming growth factor beta binding protein 4; plus strand). Cytogenetic location: 19q13.2.
Variant type: single nucleotide variant.
Coding change: c.3259G>A on transcript NM_001042545.2 (MANE Select); coding-DNA position 3259, G replaced by A.
Protein change: p.Val1087Ile; replaces valine 1087 with isoleucine.
Molecular consequence: missense variant.
Genome position (GRCh38, 1-based): chr19:40,622,442, G>A. VCF-style: chr19-40622442-G-A. GRCh37 (hg19) VCF-style: chr19-41128347-G-A.
Other names: c.3349G>A, p.Val1117Ile (NM_003573.2); c.3460G>A, p.Val1154Ile (NM_001042544.1); short protein forms V1087I, V1117I, V1154I.
Identifiers: ClinVar variation 506518 (VCV000506518.34), dbSNP rs369582949, ClinGen allele CA9448963.

ClinVar aggregate classification (germline): Benign/Likely benign. Review status: criteria provided, multiple submitters, no conflicts (2 of 4 stars). 3 submissions from 3 submitters: Benign (1); Likely benign (2). Last evaluated 2026-01-28.

Allele frequency attached by ClinVar (database versions not stated): ESP Exome Variant Server 0.00008; gnomAD 0.00025; TOPMed 0.00031; gnomAD exomes 0.00055; ExAC 0.00088.

Submissions (3):

Labcorp Genetics (formerly Invitae), Labcorp
Classification: Benign. Last evaluated: 2026-01-28. Review status: criteria provided, single submitter. Criteria: Invitae Variant Classification Sherloc (09022015). Collection method: clinical testing. Allele origin: germline.

CeGaT Center for Human Genetics Tuebingen
Classification: Likely benign. Last evaluated: 2024-03-01. Review status: criteria provided, single submitter. Criteria: CeGaT Center For Human Genetics Tuebingen Variant Classification Criteria Version 2. Collection method: clinical testing. Allele origin: germline. Affected: yes. Observed: 1 variant allele.
Comment: LTBP4: BS1

GeneDx
Classification: Likely benign. Last evaluated: 2020-09-04. Review status: criteria provided, single submitter. Criteria: GeneDx Variant Classification Process June 2021. Collection method: clinical testing. Allele origin: germline. Affected: yes.